The following is an entry in ClinVar:

NM_000017.4(ACADS):c.423G>A (p.Thr141=)

Gene: ACADS (acyl-CoA dehydrogenase short chain; plus strand). Cytogenetic location: 12q24.31.
Variant type: single nucleotide variant.
Coding change: c.423G>A on transcript NM_000017.4 (MANE Select); coding-DNA position 423, G replaced by A.
Protein change: p.Thr141=; no amino-acid change (threonine 141 retained).
Molecular consequence: synonymous variant.
Genome position (GRCh38, 1-based): chr12:120,737,418, G>A. VCF-style: chr12-120737418-G-A. GRCh37 (hg19) VCF-style: chr12-121175221-G-A.
Other names: p.Thr141=; c.423G>A, p.Thr141= (NM_001302554.2).
Identifiers: ClinVar variation 197092 (VCV000197092.20), dbSNP rs2239686, ClinGen allele CA202691.

ClinVar aggregate classification (germline): Benign. Review status: criteria provided, multiple submitters, no conflicts (2 of 4 stars). 5 submissions from 5 submitters: Benign (5). Last evaluated 2026-01-25.

Conditions:
Deficiency of butyryl-CoA dehydrogenase (ACADSD). Also called: SCAD Deficiency; ACADS DEFICIENCY; Short-Chain Acyl-CoA Dehydrogenase Deficiency; SCAD DEFICIENCY, MILD; ACYL-CoA DEHYDROGENASE, SHORT-CHAIN, DEFICIENCY OF; SCADH DEFICIENCY. Identifiers: Orphanet 26792, MedGen C0342783, MONDO:0008722, OMIM 201470. Disease mechanism: May be benign.

Allele frequency attached by ClinVar (database versions not stated): ESP Exome Variant Server 0.00015; gnomAD 0.00237 and 0.00386; gnomAD exomes 0.00408 and 0.00759; TOPMed 0.00416; ExAC 0.00784; 1000 Genomes Project 30x 0.01718; 1000 Genomes Project 0.02077.
gnomAD v4.1: 6,485 of 1,614,164 alleles (0.4%); highest among the groups gnomAD compares: East Asian, 13%; 443 homozygotes.

Submissions (5):

Labcorp Genetics (formerly Invitae), Labcorp
Classification: Benign for Deficiency of butyryl-CoA dehydrogenase. Last evaluated: 2026-01-25. Review status: criteria provided, single submitter. Criteria: Invitae Variant Classification Sherloc (09022015). Collection method: clinical testing. Allele origin: germline.

Mayo Clinic Laboratories, Mayo Clinic
Classification: Benign. Last evaluated: 2023-11-01. Review status: criteria provided, single submitter. Criteria: ACMG Guidelines, 2015. Collection method: clinical testing. Allele origin: germline. Observed: 7 variant alleles.
Comment: BA1, BP4, BP7

Illumina Laboratory Services, Illumina
Classification: Benign for Deficiency of butyryl-CoA dehydrogenase. Last evaluated: 2018-01-13. Review status: criteria provided, single submitter. Criteria: ICSL Variant Classification Criteria 13 December 2019. Collection method: clinical testing. Allele origin: germline.
Comment: This variant was observed in the ICSL laboratory as part of a predisposition screen in an ostensibly healthy population. It had not been previously curated by ICSL or reported in the Human Gene Mutation Database (HGMD: prior to June 1st, 2018), and was therefore a candidate for classification through an automated scoring system. Utilizing variant allele frequency, disease prevalence and penetrance estimates, and inheritance mode, an automated score was calculated to assess if this variant is too frequent to cause the disease. Based on the score and internal cut-off values, a variant classified as benign is not then subjected to further curation. The score for this variant resulted in a classification of benign for this disease.

GeneDx
Classification: Benign. Last evaluated: 2015-07-17. Review status: criteria provided, single submitter. Criteria: GeneDx Variant Classification (06012015). Collection method: clinical testing. Allele origin: germline. Affected: yes.
Comment: This variant is considered likely benign or benign based on one or more of the following criteria: it is a conservative change, it occurs at a poorly conserved position in the protein, it is predicted to be benign by multiple in silico algorithms, and/or has population frequency not consistent with disease.

Eurofins Ntd Llc (ga)
Classification: Benign. Last evaluated: 2015-04-13. Review status: criteria provided, single submitter. Criteria: EGL Classification Definitions 2015. Collection method: clinical testing. Allele origin: germline. Observed: 1 variant allele, 1 heterozygote.